The following is an entry in ClinVar:

NM_001136193.2(FASTKD2):c.1885A>G (p.Thr629Ala)

Gene: FASTKD2 (FAST kinase domains 2; plus strand). Cytogenetic location: 2q33.3.
Variant type: single nucleotide variant.
Coding change: c.1885A>G on transcript NM_001136193.2 (MANE Select); coding-DNA position 1885, A replaced by G.
Protein change: p.Thr629Ala; replaces threonine 629 with alanine.
Molecular consequence: missense variant.
Genome position (GRCh38, 1-based): chr2:206,788,890, A>G. VCF-style: chr2-206788890-A-G. GRCh37 (hg19) VCF-style: chr2-207653614-A-G.
Other names: p.T629A:ACA>GCA; c.1885A>G, p.Thr629Ala (NM_001136194.2, NM_014929.4); short protein forms T629A.
Identifiers: ClinVar variation 214345 (VCV000214345.1), dbSNP rs754915967, ClinGen allele CA322154.

ClinVar aggregate classification (germline): Likely benign (1 of 4 stars; one submission).

Allele frequency attached by ClinVar (database versions not stated): ExAC 0.00001; gnomAD exomes 0.00001; gnomAD 0.00001.
gnomAD v4.1: 16 of 1,542,592 alleles (0.001%); highest among the groups gnomAD compares: Non-Finnish European, 0.0014%; no homozygotes.

Submission:

GeneDx
Classification: Likely benign. Last evaluated: 2014-09-08. Review status: criteria provided, single submitter. Criteria: GeneDx Variant Classification (06012015). Collection method: clinical testing. Allele origin: germline. Affected: yes.
Comment: This variant is considered likely benign or benign based on one or more of the following criteria: it is a conservative change, it occurs at a poorly conserved position in the protein, it is predicted to be benign by multiple in silico algorithms, and/or has population frequency not consistent with disease.